The following is an entry in ClinVar:

NM_000377.3(WAS):c.360+5G>A

Gene: WAS (WASP actin nucleation promoting factor; plus strand). Cytogenetic location: Xp11.23.
Variant type: single nucleotide variant.
Coding change: c.360+5G>A on transcript NM_000377.3 (MANE Select); 5 bases into the intron after coding-DNA position 360, G replaced by A.
Molecular consequence: intron variant.
Genome position (GRCh38, 1-based): chrX:48,685,638, G>A. VCF-style: chrX-48685638-G-A. GRCh37 (hg19) VCF-style: chrX-48544027-G-A.
Identifiers: ClinVar variation 2572653 (VCV002572653.1), dbSNP rs2519280337, ClinGen allele CA2580617035.

ClinVar aggregate classification (germline): Uncertain significance (1 of 4 stars; one submission).

Conditions:
Wiskott-Aldrich syndrome (WAS). Also called: ALDRICH SYNDROME; IMMUNODEFICIENCY 2; Wiskott-aldrich syndrome, somatic; WISKOTT-ALDRICH SYNDROME 1. Identifiers: Orphanet 906, MedGen C0043194, MONDO:0010518, OMIM 301000.

Submission:

ISTH-SSC Genomics in Thrombosis and Hemostasis, KU Leuven, Center for Molecular and Vascular Biology
Classification: Uncertain significance for Wiskott-Aldrich syndrome. Review status: criteria provided, single submitter. Criteria: ACMG Guidelines, 2015. Collection method: clinical testing. Allele origin: germline. Affected: yes. Observed: 2 heterozygotes. Clinical features observed: Thrombocytopenia.
Comment: Submitted to GoldVariant by Kathleen Freson, Center for Molecular and Vascular Biology, Leuven, Belgium